The following is an entry in ClinVar:

ClinVar aggregate classification (germline): Uncertain significance (1 of 4 stars; one submission).

Submission:

Labcorp Genetics (formerly Invitae), Labcorp
Classification: Uncertain significance. Last evaluated: 2022-12-09. Review status: criteria provided, single submitter. Criteria: Invitae Variant Classification Sherloc (09022015). Collection method: clinical testing. Allele origin: germline.
Comment: In summary, the available evidence is currently insufficient to determine the role of this variant in disease. Therefore, it has been classified as a Variant of Uncertain Significance. Advanced modeling of protein sequence and biophysical properties (such as structural, functional, and spatial information, amino acid conservation, physicochemical variation, residue mobility, and thermodynamic stability) performed at Invitae indicates that this missense variant is not expected to disrupt NSD1 protein function. This variant has not been reported in the literature in individuals affected with NSD1-related conditions. This variant is not present in population databases (gnomAD no frequency). This sequence change replaces glycine, which is neutral and non-polar, with glutamic acid, which is acidic and polar, at codon 2597 of the NSD1 protein (p.Gly2597Glu).

NM_022455.5(NSD1):c.7790G>A (p.Gly2597Glu)

Gene: NSD1 (nuclear receptor binding SET domain protein 1; plus strand). Cytogenetic location: 5q35.3.
Variant type: single nucleotide variant.
Coding change: c.7790G>A on transcript NM_022455.5 (MANE Select); coding-DNA position 7790, G replaced by A.
Protein change: p.Gly2597Glu; replaces glycine 2597 with glutamic acid.
Molecular consequence: missense variant.
Genome position (GRCh38, 1-based): chr5:177,295,158, G>A. VCF-style: chr5-177295158-G-A. GRCh37 (hg19) VCF-style: chr5-176722159-G-A.
Other names: c.6917G>A, p.Gly2306Glu (NM_001365684.2, NM_001409308.1, NM_172349.5); c.7790G>A, p.Gly2597Glu (NM_001409301.1, NM_001409302.1, NM_001409303.1); c.7370G>A, p.Gly2457Glu (NM_001409304.1); c.7037G>A, p.Gly2346Glu (NM_001409305.1); c.7028G>A, p.Gly2343Glu (NM_001409306.1, NM_001409307.1); c.6668G>A, p.Gly2223Glu (NM_001409309.1); short protein forms G2223E, G2306E, G2343E, G2597E, G2457E, G2346E.
Identifiers: ClinVar variation 3691048 (VCV003691048.2).